The following is an entry in ClinVar:

ClinVar aggregate classification (germline): Pathogenic (0 of 4 stars; one submission).

Conditions:
Very long chain acyl-CoA dehydrogenase deficiency (ACADVLD). Also called: Very Long-Chain Acyl-Coenzyme A Dehydrogenase Deficiency; VLCAD Deficiency. Identifiers: Orphanet 26793, MedGen C3887523, MONDO:0008723, OMIM 201475.

Submission:

Neuromuscular Department, Shariati Hospital, Tehran University of Medical Sciences
Classification: Pathogenic for Very long chain acyl-CoA dehydrogenase deficiency. Last evaluated: 2019-12-01. Review status: no assertion criteria provided. Collection method: research. Allele origin: germline. Affected: yes.
Comment: Muscle MRI revealed mild fat deposition in gastrocnemius and soleus muscles. Muscle biopsy from the lateral head of right gastrocnemius revealed mixed myopathic and neurogenic atrophy.

Literature cited by the submitters: PubMed 24801231.

NM_000018.4(ACADVL):c.[1310T>C;869del]

Variant type: Haplotype.
Identifiers: ClinVar variation 867230 (VCV000867230.2).